The following is an entry in ClinVar:

ClinVar aggregate classification (germline): Pathogenic (1 of 4 stars; one submission).

Conditions:
Hereditary cancer-predisposing syndrome. Also called: Neoplastic Syndromes, Hereditary; Tumor predisposition; Hereditary Cancer Syndrome; Hereditary neoplastic syndrome. Identifiers: Orphanet 140162, MedGen C0027672, MeSH D009386, MONDO:0015356.

Submission:

Ambry Genetics
Classification: Pathogenic for Hereditary cancer-predisposing syndrome. Last evaluated: 2022-05-05. Review status: criteria provided, single submitter. Criteria: Ambry Variant Classification Scheme 2023. Collection method: clinical testing. Allele origin: germline.
Comment: The c.7835_7838dupCAAA pathogenic mutation, located in coding exon 16 of the BRCA2 gene, results from a duplication of CAAA at nucleotide position 7835, causing a translational frameshift with a predicted alternate stop codon (p.K2613Nfs*6). This variant is considered to be rare based on population cohorts in the Genome Aggregation Database (gnomAD). This alteration is expected to result in loss of function by premature protein truncation or nonsense-mediated mRNA decay. As such, this alteration is interpreted as a disease-causing mutation.

NM_000059.4(BRCA2):c.7835_7838dup (p.Lys2613fs)

Gene: BRCA2 (BRCA2 DNA repair associated; plus strand). Cytogenetic location: 13q13.1.
Variant type: Duplication.
Coding change: c.7835_7838dup on transcript NM_000059.4 (MANE Select); coding-DNA positions 7835 to 7838, 4 bases duplicated (CAAA; older notation c.7835_7838dupCAAA).
Protein change: p.Lys2613fs; shifts the reading frame from lysine 2613.
Molecular consequence: frameshift variant.
Genome position (GRCh38, 1-based): chr13:32,362,552-32,362,555, CAAA duplicated. VCF-style (leftmost placement, unchanged base first): chr13-32362551-C-CCAAA. GRCh37 (hg19) VCF-style: chr13-32936688-C-CCAAA.
Other names: c.7835_7838dupCAAA (NM_000059.3); c.7739_7742dup, p.Lys2581Asnfs (NM_001406719.1); c.7835_7838dup, p.Lys2613Asnfs (NM_001406720.1); c.2903_2906dup, p.Lys969Asnfs (NM_001406721.1); c.1418_1421dup, p.Lys474Asnfs (NM_001406722.1); short protein forms K2613fs.
Identifiers: ClinVar variation 1760820 (VCV001760820.2), dbSNP rs2548545315, ClinGen allele CA2580087396.